The following is an entry in ClinVar:

ClinVar aggregate classification (germline): Uncertain significance. Review status: criteria provided, multiple submitters, no conflicts (2 of 4 stars). 3 submissions from 3 submitters: Uncertain significance (3). Last evaluated 2025-08-20.

Conditions:
Inborn genetic diseases. Identifiers: MedGen C0950123, MeSH D030342.

Allele frequency attached by ClinVar (database versions not stated): gnomAD exomes below 0.00001; gnomAD 0.00001; TOPMed 0.00003.
gnomAD v4.1: 5 of 1,614,098 alleles (0.00031%); highest among the groups gnomAD compares: African/African-American, 0.0053%; no homozygotes.

Submissions (3):

Ambry Genetics
Classification: Uncertain significance for Inborn genetic diseases. Last evaluated: 2025-08-20. Review status: criteria provided, single submitter. Criteria: Ambry Variant Classification Scheme 2023. Collection method: clinical testing. Allele origin: germline.

Labcorp Genetics (formerly Invitae), Labcorp
Classification: Uncertain significance. Last evaluated: 2024-06-28. Review status: criteria provided, single submitter. Criteria: Invitae Variant Classification Sherloc (09022015). Collection method: clinical testing. Allele origin: germline.
Comment: This sequence change replaces histidine, which is basic and polar, with glutamine, which is neutral and polar, at codon 1113 of the CTR9 protein (p.His1113Gln). This variant is present in population databases (no rsID available, gnomAD 0.007%). This variant has not been reported in the literature in individuals affected with CTR9-related conditions. ClinVar contains an entry for this variant (Variation ID: 1425359). An algorithm developed to predict the effect of missense changes on protein structure and function (PolyPhen-2) suggests that this variant is likely to be tolerated. In summary, the available evidence is currently insufficient to determine the role of this variant in disease. Therefore, it has been classified as a Variant of Uncertain Significance.

GeneDx
Classification: Uncertain significance. Last evaluated: 2022-08-08. Review status: criteria provided, single submitter. Criteria: GeneDx Variant Classification Process June 2021. Collection method: clinical testing. Allele origin: germline. Affected: yes.
Comment: In silico analysis supports that this missense variant does not alter protein structure/function; Has not been previously published as pathogenic or benign to our knowledge

NM_014633.5(CTR9):c.3339C>G (p.His1113Gln)

Gene: CTR9 (CTR9 component of Paf1/RNA polymerase II complex; plus strand). Cytogenetic location: 11p15.4.
Variant type: single nucleotide variant.
Coding change: c.3339C>G on transcript NM_014633.5 (MANE Select); coding-DNA position 3339, C replaced by G.
Protein change: p.His1113Gln; replaces histidine 1113 with glutamine.
Molecular consequence: missense variant.
Genome position (GRCh38, 1-based): chr11:10,778,922, C>G. VCF-style: chr11-10778922-C-G. GRCh37 (hg19) VCF-style: chr11-10800469-C-G.
Other names: c.3267C>G, p.His1089Gln (NM_001346279.2); c.3339C>G (NM_014633.3, NM_014633.4); short protein forms H1089Q, H1113Q.
Identifiers: ClinVar variation 1425359 (VCV001425359.9), dbSNP rs947997214, ClinGen allele CA217715193.